The following is an entry in ClinVar:

ClinVar aggregate classification (germline): Likely benign (1 of 4 stars; one submission).

Submission:

CeGaT Center for Human Genetics Tuebingen
Classification: Likely benign. Last evaluated: 2025-01-01. Review status: criteria provided, single submitter. Criteria: CeGaT Center For Human Genetics Tuebingen Variant Classification Criteria Version 2. Collection method: clinical testing. Allele origin: germline. Affected: yes. Observed: 1 variant allele.
Comment: HRNR: BP4, BP7

NM_001009931.3(HRNR):c.6654G>C (p.Ser2218=)

Genes: CCDST (cervical cancer associated DHX9 suppressive transcript; plus strand), HRNR (hornerin; minus strand). Cytogenetic location: 1q21.3.
Variant type: single nucleotide variant.
Coding change: c.6654G>C on transcript NM_001009931.3 (MANE Select); coding-DNA position 6654, G replaced by C.
Protein change: p.Ser2218=; no amino-acid change (serine 2218 retained).
Molecular consequence: synonymous variant.
Genome position (GRCh38, 1-based): chr1:152,214,975, C>G on the plus strand (G>C on the coding strand, the complement: HRNR is on the minus strand). VCF-style: chr1-152214975-C-G. GRCh37 (hg19) VCF-style: chr1-152187451-C-G.
Identifiers: ClinVar variation 3770869 (VCV003770869.13).
Genomic context (GRCh38, chr1:152,214,975, plus strand): 5'-ACTGTAAGCAGAGGAATGTCCTGAGCCAGACTCATGTTGACCAAAGACAGAAGAGTGACC[C>G]GAGCGAGACTCATATGGGCCACGGCTGGAAGAACGACCTGAGCCAGACCCATGTTGGCCG-3'
Protein context (NP_001009931.1, residues 2208-2228): SSSRGPYESR[Ser2218=]GHSSVFGQHE